The following is an entry in ClinVar:

ClinVar aggregate classification (germline): Likely benign. Review status: criteria provided, multiple submitters, no conflicts (2 of 4 stars). 2 submissions from 2 submitters: Likely benign (2). Last evaluated 2025-01-01.

Conditions:
Cardiovascular phenotype. Identifiers: MedGen CN230736.

Allele frequency attached by ClinVar (database versions not stated): ExAC 0.00002; gnomAD exomes 0.00004; TOPMed 0.00007; ESP Exome Variant Server 0.00008; gnomAD 0.00009.

Submissions (2):

CeGaT Center for Human Genetics Tuebingen
Classification: Likely benign. Last evaluated: 2025-01-01. Review status: criteria provided, single submitter. Criteria: CeGaT Center For Human Genetics Tuebingen Variant Classification Criteria Version 2. Collection method: clinical testing. Allele origin: germline. Affected: yes. Observed: 2 variant alleles.
Comment: APOE: BP4, BP7

Ambry Genetics
Classification: Likely benign for Cardiovascular phenotype. Last evaluated: 2019-06-06. Review status: criteria provided, single submitter. Criteria: Ambry Variant Classification Scheme 2023. Collection method: clinical testing. Allele origin: germline.

NM_000041.4(APOE):c.120C>T (p.Ser40=)

Gene: APOE (apolipoprotein E; plus strand). Cytogenetic location: 19q13.32.
Variant type: single nucleotide variant.
Coding change: c.120C>T on transcript NM_000041.4 (MANE Select); coding-DNA position 120, C replaced by T.
Protein change: p.Ser40=; no amino-acid change (serine 40 retained).
Molecular consequence: synonymous variant.
Genome position (GRCh38, 1-based): chr19:44,907,836, C>T. VCF-style: chr19-44907836-C-T. GRCh37 (hg19) VCF-style: chr19-45411093-C-T.
Other names: c.198C>T, p.Ser66= (NM_001302688.2); c.120C>T, p.Ser40= (NM_001302689.2, NM_001302690.2, NM_001302691.2).
Identifiers: ClinVar variation 1298772 (VCV001298772.37), dbSNP rs373020952, ClinGen allele CA9505980.
Genomic context (GRCh38, chr19:44,907,836, plus strand): 5'-GGAGCAAGCGGTGGAGACAGAGCCGGAGCCCGAGCTGCGCCAGCAGACCGAGTGGCAGAG[C>T]GGCCAGCGCTGGGAACTGGCACTGGGTCGCTTTTGGGATTACCTGCGCTGGGTGCAGACA-3'
Protein context (NP_000032.1, residues 30-50): PELRQQTEWQ[Ser40=]GQRWELALGR